The following is an entry in ClinVar:

ClinVar aggregate classification (germline): Uncertain significance. Review status: criteria provided, multiple submitters, no conflicts (2 of 4 stars). 3 submissions from 3 submitters: Uncertain significance (3). Last evaluated 2024-07-02.

Conditions:
Emery-Dreifuss muscular dystrophy 4, autosomal dominant (EDMD4). Also called: EMERY-DREIFUSS MUSCULAR DYSTROPHY 4 WITH VARIABLE FEATURES. Identifiers: Orphanet 261, MedGen C2751807, MONDO:0013071, OMIM 612998.
Autosomal recessive ataxia, Beauce type. Also called: SYNE1-Related Autosomal Recessive Cerebellar Ataxia; Spinocerebellar ataxia, autosomal recessive 8; ATAXIA, RECESSIVE, OF BEAUCE; SYNE1 Deficiency. Identifiers: Orphanet 88644, MedGen C1853116, MONDO:0012549, OMIM 610743.

Allele frequency attached by ClinVar (database versions not stated): gnomAD 0.00003 and 0.00004; TOPMed 0.00003; gnomAD exomes 0.00004 and 0.00005; ExAC 0.00006.
gnomAD v4.1: 71 of 1,614,082 alleles (0.0044%); highest among the groups gnomAD compares: Non-Finnish European, 0.0058%; no homozygotes.

Submissions (3):

GeneDx
Classification: Uncertain significance. Last evaluated: 2024-07-02. Review status: criteria provided, single submitter. Criteria: GeneDx Variant Classification Process June 2021. Collection method: clinical testing. Allele origin: germline. Affected: yes.
Comment: In silico analysis supports that this missense variant has a deleterious effect on protein structure/function; Has not been previously published as pathogenic or benign to our knowledge

Labcorp Genetics (formerly Invitae), Labcorp
Classification: Uncertain significance for Emery-Dreifuss muscular dystrophy 4, autosomal dominant; Autosomal recessive ataxia, Beauce type. Last evaluated: 2022-07-19. Review status: criteria provided, single submitter. Criteria: Invitae Variant Classification Sherloc (09022015). Collection method: clinical testing. Allele origin: germline.
Comment: This variant has not been reported in the literature in individuals affected with SYNE1-related conditions. This variant is present in population databases (rs757086609, gnomAD 0.006%). This sequence change replaces arginine, which is basic and polar, with cysteine, which is neutral and slightly polar, at codon 5123 of the SYNE1 protein (p.Arg5123Cys). ClinVar contains an entry for this variant (Variation ID: 571918). In summary, the available evidence is currently insufficient to determine the role of this variant in disease. Therefore, it has been classified as a Variant of Uncertain Significance. Algorithms developed to predict the effect of missense changes on protein structure and function (SIFT, PolyPhen-2, Align-GVGD) all suggest that this variant is likely to be disruptive.

Athena Diagnostics
Classification: Uncertain significance. Last evaluated: 2021-05-26. Review status: criteria provided, single submitter. Criteria: Athena Diagnostics criteria. Collection method: clinical testing. Allele origin: unknown.

NM_182961.4(SYNE1):c.15580C>T (p.Arg5194Cys)

Gene: SYNE1 (spectrin repeat containing nuclear envelope protein 1; minus strand). Cytogenetic location: 6q25.2.
Variant type: single nucleotide variant.
Coding change: c.15580C>T on transcript NM_182961.4 (MANE Select); coding-DNA position 15580, C replaced by T.
Protein change: p.Arg5194Cys; replaces arginine 5194 with cysteine.
Molecular consequence: missense variant.
Genome position (GRCh38, 1-based): chr6:152,325,161, G>A on the plus strand (C>T on the coding strand, the complement: SYNE1 is on the minus strand). VCF-style: chr6-152325161-G-A. GRCh37 (hg19) VCF-style: chr6-152646296-G-A.
Other names: c.15367C>T, p.Arg5123Cys (NM_033071.5); c.15580C>T (NM_182961.2); short protein forms R5123C, R5194C.
Identifiers: ClinVar variation 571918 (VCV000571918.10), dbSNP rs757086609, ClinGen allele CA4055747.
Genomic context (GRCh38, chr6:152,325,161, plus strand): 5'-TCCACTCATCCACTGCATCTTCCAGGATCTTCTCCTGGTCCTGGGCCACAGCTCGAAGGC[G>A]TGTCCAGCGCTGCCAGACGGTGGTCATTGACCTGCTCAGGGTGGCTTTGCTGGCATCATT-3'
Protein context (NP_892006.3, residues 5184-5204): SMTTVWQRWT[Arg5194Cys]LRAVAQDQEK